The following is an entry in ClinVar:

ClinVar aggregate classification (germline): Uncertain significance (1 of 4 stars; one submission).

Conditions:
Developmental and epileptic encephalopathy, 31A. Also called: Developmental and epileptic encephalopathy, 31; Epileptic encephalopathy, early infantile, 31. Identifiers: Orphanet 2382, MedGen C4225357, MONDO:0014598, OMIM 616346.

Allele frequency attached by ClinVar (database versions not stated): TOPMed 0.00001.
gnomAD v4.1: 6 of 1,595,090 alleles (0.00038%); highest among the groups gnomAD compares: Non-Finnish European, 0.00042%; no homozygotes.

Submission:

Labcorp Genetics (formerly Invitae), Labcorp
Classification: Uncertain significance for Developmental and epileptic encephalopathy, 31A. Last evaluated: 2019-10-29. Review status: criteria provided, single submitter. Criteria: Invitae Variant Classification Sherloc (09022015). Collection method: clinical testing. Allele origin: germline.
Comment: This variant has not been reported in the literature in individuals with DNM1-related conditions. In summary, the available evidence is currently insufficient to determine the role of this variant in disease. Therefore, it has been classified as a Variant of Uncertain Significance. Algorithms developed to predict the effect of missense changes on protein structure and function (SIFT, PolyPhen-2, Align-GVGD) all suggest that this variant is likely to be tolerated, but these predictions have not been confirmed by published functional studies and their clinical significance is uncertain. This variant is not present in population databases (ExAC no frequency). This sequence change replaces arginine with proline at codon 846 of the DNM1 protein (p.Arg846Pro). The arginine residue is weakly conserved and there is a moderate physicochemical difference between arginine and proline.

NM_004408.4(DNM1):c.2537G>C (p.Arg846Pro)

Gene: DNM1 (dynamin 1; plus strand). Cytogenetic location: 9q34.11.
Variant type: single nucleotide variant.
Coding change: c.2537G>C on transcript NM_004408.4 (MANE Select); coding-DNA position 2537, G replaced by C.
Protein change: p.Arg846Pro; replaces arginine 846 with proline.
Molecular consequence: missense variant. On other transcripts: 3 prime UTR variant (4).
Genome position (GRCh38, 1-based): chr9:128,254,656, G>C. VCF-style: chr9-128254656-G-C. GRCh37 (hg19) VCF-style: chr9-131016935-G-C.
Other names: c.*18G>C (NM_001005336.3, NM_001288737.2); c.*663G>C (NM_001288738.2); c.2537G>C, p.Arg846Pro (NM_001288739.2); c.*578G>C (NM_001374269.1); short protein forms R846P.
Identifiers: ClinVar variation 956629 (VCV000956629.10), dbSNP rs758567328, ClinGen allele CA375002952.